The following is an entry in ClinVar:

NM_014989.7(RIMS1):c.3262T>C (p.Cys1088Arg)

Gene: RIMS1 (regulating synaptic membrane exocytosis 1; plus strand). Cytogenetic location: 6q13.
Variant type: single nucleotide variant.
Coding change: c.3262T>C on transcript NM_014989.7 (MANE Select); coding-DNA position 3262, T replaced by C.
Protein change: p.Cys1088Arg; replaces cysteine 1088 with arginine.
Molecular consequence: missense variant. On other transcripts: intron variant (62).
Genome position (GRCh38, 1-based): chr6:72,265,457, T>C. VCF-style: chr6-72265457-T-C. GRCh37 (hg19) VCF-style: chr6-72975160-T-C.
Other names: c.1681T>C, p.Cys561Arg (NM_001350436.2); c.1470-503T>C (NM_001350428.2, NM_001350459.2, NM_001350424.2 and 1 more transcripts); c.1467-503T>C (NM_001350437.2, NM_001350430.2, NM_001350421.2 and 1 more transcripts); c.1616+405T>C (NM_001350458.2); c.1539-503T>C (NM_001350433.2, NM_001350446.2, NM_001350442.2 and 8 more transcripts); c.1538+4690T>C (NM_001350431.2); c.1476-503T>C (NM_001350457.2); c.1475+6346T>C (NM_001350460.2, NM_001350426.2, NM_001350429.2 and 1 more transcripts); and 14 more; short protein forms C561R, C1088R.
Identifiers: ClinVar variation 4771570 (VCV004771570.1).

ClinVar aggregate classification (germline): Uncertain significance (1 of 4 stars; one submission).

gnomAD v4.1: 2 of 1,609,410 alleles (0.00012%); highest among the groups gnomAD compares: Admixed American, 0.0017%; no homozygotes.

Submission:

Labcorp Genetics (formerly Invitae), Labcorp
Classification: Uncertain significance. Last evaluated: 2025-10-14. Review status: criteria provided, single submitter. Criteria: Invitae Variant Classification Sherloc (09022015). Collection method: clinical testing. Allele origin: germline.
Comment: This sequence change replaces cysteine, which is neutral and slightly polar, with arginine, which is basic and polar, at codon 1088 of the RIMS1 protein (p.Cys1088Arg). This variant is present in population databases (no rsID available, gnomAD 0.01%). This variant has not been reported in the literature in individuals affected with RIMS1-related conditions. An algorithm developed to predict the effect of missense changes on protein structure and function outputs the following: PolyPhen-2: "Benign". The arginine amino acid residue is found in multiple mammalian species, which suggests that this missense change does not adversely affect protein function. In summary, the available evidence is currently insufficient to determine the role of this variant in disease. Therefore, it has been classified as a Variant of Uncertain Significance.